The following is an entry in ClinVar:

NC_000017.11:g.(?_58206283)_(58206581_?)del

Gene: MKS1 (MKS transition zone complex subunit 1; minus strand). Cytogenetic location: 17q22.
Variant type: Deletion.
Identifiers: ClinVar variation 832242 (VCV000832242.3).

ClinVar aggregate classification (germline): Uncertain significance (1 of 4 stars; one submission).

Conditions:
Meckel-Gruber syndrome. Also called: DYSENCEPHALIA SPLANCHNOCYSTICA; GRUBER SYNDROME; Dysencephalia splachnocystica. Identifiers: Orphanet 564, MedGen C0265215, MONDO:0018921.
Joubert syndrome. Also called: CEREBELLOPARENCHYMAL DISORDER IV; JOUBERT-BOLTSHAUSER SYNDROME; Familial aplasia of the vermis. Identifiers: Orphanet 475, MedGen C5979921, MONDO:0018772.

Submission:

Labcorp Genetics (formerly Invitae), Labcorp
Classification: Uncertain significance for Joubert syndrome; Meckel-Gruber syndrome. Last evaluated: 2019-09-20. Review status: criteria provided, single submitter. Criteria: Invitae Variant Classification Sherloc (09022015). Collection method: clinical testing. Allele origin: germline.
Comment: Experimental studies and prediction algorithms are not available or were not evaluated for this variant, and the functional significance of this variant is currently unknown. In summary, the available evidence is currently insufficient to determine the role of this variant in disease. Therefore, it has been classified as a Variant of Uncertain Significance. This variant has not been reported in the literature in individuals with MKS1-related conditions. This variant is a sub-genic deletion of the genomic region encompassing exons 16-17 of the MKS1 gene. While this deletion is not anticipated to result in nonsense mediated decay, it is expected to create a truncated protein product.